The following is an entry in ClinVar:

NM_005732.4(RAD50):c.3301G>T (p.Glu1101Ter)

Gene: RAD50 (RAD50 double strand break repair protein; plus strand). Cytogenetic location: 5q31.1.
Variant type: single nucleotide variant.
Coding change: c.3301G>T on transcript NM_005732.4 (MANE Select); coding-DNA position 3301, G replaced by T.
Protein change: p.Glu1101Ter; replaces glutamic acid 1101 with a stop codon.
Molecular consequence: nonsense.
Genome position (GRCh38, 1-based): chr5:132,618,206, G>T. VCF-style: chr5-132618206-G-T. GRCh37 (hg19) VCF-style: chr5-131953898-G-T.
Other names: short protein forms E1101*.
Identifiers: ClinVar variation 2812696 (VCV002812696.3), dbSNP rs2149853930, ClinGen allele CA360964767.

ClinVar aggregate classification (germline): Pathogenic (1 of 4 stars; one submission).

Conditions:
Hereditary cancer-predisposing syndrome. Also called: Tumor predisposition; Hereditary Cancer Syndrome; Hereditary neoplastic syndrome; Neoplastic Syndromes, Hereditary. Identifiers: Orphanet 140162, MedGen C0027672, MeSH D009386, MONDO:0015356.

Submission:

Labcorp Genetics (formerly Invitae), Labcorp
Classification: Pathogenic for Hereditary cancer-predisposing syndrome. Last evaluated: 2022-11-07. Review status: criteria provided, single submitter. Criteria: Invitae Variant Classification Sherloc (09022015). Collection method: clinical testing. Allele origin: germline.
Comment: This sequence change creates a premature translational stop signal (p.Glu1101*) in the RAD50 gene. It is expected to result in an absent or disrupted protein product. Loss-of-function variants in RAD50 are known to be pathogenic (PMID: 19409520). This variant is not present in population databases (gnomAD no frequency). This variant has not been reported in the literature in individuals affected with RAD50-related conditions. For these reasons, this variant has been classified as Pathogenic.

Literature cited by the submitters: PubMed 19409520.